The following is an entry in ClinVar:

ClinVar aggregate classification (germline): Uncertain significance (1 of 4 stars; one submission).

Submission:

GeneDx
Classification: Uncertain significance. Last evaluated: 2025-07-10. Review status: criteria provided, single submitter. Criteria: GeneDx Variant Classification Process June 2021. Collection method: clinical testing. Allele origin: germline. Affected: yes.
Comment: Not observed at significant frequency in large population cohorts (gnomAD); In silico analysis supports a deleterious effect on splicing; Has not been previously published as pathogenic or benign to our knowledge

NM_000168.6(GLI3):c.1498-7A>G

Gene: GLI3 (GLI family zinc finger 3; minus strand). Cytogenetic location: 7p14.1.
Variant type: single nucleotide variant.
Coding change: c.1498-7A>G on transcript NM_000168.6 (MANE Select); 7 bases into the intron before coding-DNA position 1498, A replaced by G.
Molecular consequence: intron variant.
Genome position (GRCh38, 1-based): chr7:41,978,755, T>C on the plus strand (A>G on the coding strand, the complement: GLI3 is on the minus strand). VCF-style: chr7-41978755-T-C. GRCh37 (hg19) VCF-style: chr7-42018354-T-C.
Identifiers: ClinVar variation 4685209 (VCV004685209.1).